The following is an entry in ClinVar:

NM_000298.6(PKLR):c.1049del (p.Phe350fs)

Gene: PKLR (pyruvate kinase L/R; minus strand). Cytogenetic location: 1q22.
Variant type: Deletion.
Coding change: c.1049del on transcript NM_000298.6 (MANE Select); coding-DNA position 1049, one base deleted (T; older notation c.1049delT).
Protein change: p.Phe350fs; shifts the reading frame from phenylalanine 350.
Molecular consequence: frameshift variant.
Genome position (GRCh38, 1-based): chr1:155,294,302, A deleted on the plus strand (T on the coding strand, the reverse complement: PKLR is on the minus strand); the first of 4 consecutive A bases (chr1:155,294,302-155,294,305); deleting any one gives the same sequence. VCF-style (leftmost placement, unchanged base first): chr1-155294301-GA-G. GRCh37 (hg19) VCF-style: chr1-155264092-GA-G.
Other names: c.956del, p.Phe319fs (NM_181871.4); short protein forms F319fs, F350fs.
Identifiers: ClinVar variation 4880521 (VCV004880521.2).
Genomic context (GRCh38, chr1:155,294,301, plus strand): 5'-GGCACAGACAACAGGCTTGCCCGCCAAGTTGCAGCGCCCAATCATCATCTTCTGAGCCAG[GA>G]AAACCTTCTCTGCTGGGATCTCGATGCCTAGGTCCCCCCGTGCCACCATGATGCCGTCGC-3'

ClinVar aggregate classification (germline): Likely pathogenic (1 of 4 stars; one submission).

Conditions:
Pyruvate kinase deficiency of red cells (CNSHA2). Also called: PK DEFICIENCY; PYRUVATE KINASE DEFICIENCY OF ERYTHROCYTE; Pyruvate kinase deficiency, Amish type. Identifiers: Orphanet 766, MedGen C0340968, MONDO:0009950, OMIM 266200.

Submission:

Dasa
Classification: Likely pathogenic for Pyruvate kinase deficiency of red cells. Last evaluated: 2025-04-07. Review status: criteria provided, single submitter. Criteria: DASA Assertion Criteria. Collection method: clinical testing. Allele origin: germline.
Comment: NM_000298.6(PKLR):c.1049del (p.Phe350Serfs*6) is a frameshift variant in PKLR predicted to alter the reading frame and introduce a premature termination codon and is predicted to result in an absent or altered protein product. Loss of function is an established disease mechanism for PKLR-associated disorders. Also, this variant is absent from population databases. Based on the currently available evidence, this variant is classified as likely pathogenic.